The following is an entry in ClinVar:

NM_018051.5(DYNC2I1):c.2485+5C>A

Gene: DYNC2I1 (dynein 2 intermediate chain 1; plus strand). Cytogenetic location: 7q36.3.
Variant type: single nucleotide variant.
Coding change: c.2485+5C>A on transcript NM_018051.5 (MANE Select); 5 bases into the intron after coding-DNA position 2485, C replaced by A.
Molecular consequence: intron variant.
Genome position (GRCh38, 1-based): chr7:158,927,048, C>A. VCF-style: chr7-158927048-C-A. GRCh37 (hg19) VCF-style: chr7-158719739-C-A.
Other names: c.2347+5C>A (NM_001350914.2); c.1237+5C>A (NM_001350918.2, NM_001350917.2); c.1024+5C>A (NM_001350916.2); c.1912+5C>A (NM_001350915.2).
Identifiers: ClinVar variation 662025 (VCV000662025.4), dbSNP rs771294563, ClinGen allele CA4595021.

ClinVar aggregate classification (germline): Uncertain significance (1 of 4 stars; one submission).

Conditions:
Short-rib thoracic dysplasia 8 with or without polydactyly (SRTD8). Also called: SHORT-RIB THORACIC DYSPLASIA 8 WITH POLYDACTYLY. Identifiers: Orphanet 93271, MedGen C3809691, MONDO:0014214, OMIM 615503.

Allele frequency attached by ClinVar (database versions not stated): ExAC 0.00003; gnomAD 0.00003 and 0.00004; gnomAD exomes 0.00004; TOPMed 0.00004.
gnomAD v4.1: 78 of 1,584,340 alleles (0.0049%); highest among the groups gnomAD compares: Middle Eastern, 0.038%; no homozygotes.

Submission:

Labcorp Genetics (formerly Invitae), Labcorp
Classification: Uncertain significance for Short-rib thoracic dysplasia 8 with or without polydactyly. Last evaluated: 2023-07-17. Review status: criteria provided, single submitter. Criteria: Invitae Variant Classification Sherloc (09022015). Collection method: clinical testing. Allele origin: germline.
Comment: This variant has not been reported in the literature in individuals affected with WDR60-related conditions. This sequence change falls in intron 20 of the WDR60 gene. It does not directly change the encoded amino acid sequence of the WDR60 protein. It affects a nucleotide within the consensus splice site. This variant is present in population databases (rs771294563, gnomAD 0.01%). ClinVar contains an entry for this variant (Variation ID: 662025). Variants that disrupt the consensus splice site are a relatively common cause of aberrant splicing (PMID: 17576681, 9536098). Algorithms developed to predict the effect of sequence changes on RNA splicing suggest that this variant is not likely to affect RNA splicing. In summary, the available evidence is currently insufficient to determine the role of this variant in disease. Therefore, it has been classified as a Variant of Uncertain Significance.

Literature cited by the submitters: PubMed 17576681; PubMed 9536098.